The following is an entry in ClinVar:

NM_000043.6(FAS):c.929T>G (p.Ile310Ser)

Gene: FAS (Fas cell surface death receptor; plus strand). Cytogenetic location: 10q23.31.
Variant type: single nucleotide variant.
Coding change: c.929T>G on transcript NM_000043.6 (MANE Select); coding-DNA position 929, T replaced by G.
Protein change: p.Ile310Ser; replaces isoleucine 310 with serine.
Molecular consequence: missense variant. On other transcripts: 3 prime UTR variant (2), non-coding transcript variant (7).
Genome position (GRCh38, 1-based): chr10:89,014,371, T>G. VCF-style: chr10-89014371-T-G. GRCh37 (hg19) VCF-style: chr10-90774128-T-G.
Other names: c.*252T>G (NM_001320619.2); c.866T>G, p.Ile289Ser (NM_152871.4); c.*241T>G (NM_152872.4); c.929T>G (NM_000043.4, NM_000043.5); short protein forms I310S, I289S.
Identifiers: ClinVar variation 1406336 (VCV001406336.10), dbSNP rs2119448150, ClinGen allele CA377510135.

ClinVar aggregate classification (germline): Conflicting classifications of pathogenicity. Review status: criteria provided, conflicting classifications (1 of 4 stars). 3 submissions from 3 submitters: Pathogenic (1); Uncertain significance (2). Last evaluated 2025-10-20.

Conditions:
Autoimmune lymphoproliferative syndrome type 1. Also called: AUTOIMMUNE LYMPHOPROLIFERATIVE SYNDROME, TYPE I, AUTOSOMAL DOMINANT. Identifiers: Orphanet 3261, MedGen C2717884, MONDO:0011158, OMIM 601859.
FAS-related disorder. Also called: FAS-related condition.

Submissions (3):

Labcorp Genetics (formerly Invitae), Labcorp
Classification: Pathogenic for Autoimmune lymphoproliferative syndrome. Last evaluated: 2025-10-20. Review status: criteria provided, single submitter. Criteria: Invitae Variant Classification Sherloc (09022015). Collection method: clinical testing. Allele origin: germline.
Comment: This sequence change replaces isoleucine, which is neutral and non-polar, with serine, which is neutral and polar, at codon 310 of the FAS protein (p.Ile310Ser). This variant is not present in population databases (gnomAD no frequency). This missense change has been observed in individual(s) with autoimmune lymphoproliferative syndrome (PMID: 9028957; internal data). This variant is also known as c.1123T>G (p.Ile294Ser). ClinVar contains an entry for this variant (Variation ID: 1406336). Invitae Evidence Modeling of protein sequence and biophysical properties (such as structural, functional, and spatial information, amino acid conservation, physicochemical variation, residue mobility, and thermodynamic stability) indicates that this missense variant is expected to disrupt FAS protein function with a positive predictive value of 95%. Experimental studies are conflicting or provide insufficient evidence to determine the effect of this variant on FAS function (PMID: 21490157). For these reasons, this variant has been classified as Pathogenic.

GeneDx
Classification: Uncertain significance. Last evaluated: 2025-06-09. Review status: criteria provided, single submitter. Criteria: GeneDx Variant Classification Process June 2021. Collection method: clinical testing. Allele origin: germline. Affected: yes.
Comment: Identified in patients with autoimmune lymphoproliferative syndrome in the published literature, however, segregation information was not included (PMID: 9028957, 39060684); Published functional studies did not demonstrate a damaging effect (PMID: 21490157); Not observed at significant frequency in large population cohorts (gnomAD); In silico analysis supports that this missense variant has a deleterious effect on protein structure/function; This variant is associated with the following publications: (PMID: 9028957, 39060684, 21490157, Srikureja2023[abstract])

PreventionGenetics, part of Exact Sciences
Classification: Uncertain significance for FAS-related condition. Last evaluated: 2025-01-14. Review status: criteria provided, single submitter. Criteria: ACMG Guidelines, 2015. Collection method: clinical testing. Allele origin: germline.
Comment: The FAS c.929T>G variant is predicted to result in the amino acid substitution p.Ile310Ser. This variant was reported in at least one individual with autoimmune lymphoproliferative syndrome (Patient 17, Sneller et al 1997. PubMed ID: 9028957; Identification No 17, Kuehn HS et al 2011. PubMed ID: 21490157). Functional studies demonstrated that the p.Ile310Ser variant had minimal impact on function and only slightly altered the formation of the death domain, the structure required for FAS-induced apoptosis of lymphocytes, determined via analysis of cell loss (Figure 3C, Kuehn HS et al 2011. PubMed ID: 21490157). Of note, using alternate transcripts this variant is located in the non-coding and post-coding regions. This variant has not been reported in a large population database, indicating this variant is rare. At this time, the clinical significance of this variant is uncertain due to the absence of conclusive functional and genetic evidence.

Literature cited by the submitters: PubMed 9028957 (cited by Labcorp Genetics (formerly Invitae), Labcorp); PubMed 21490157 (cited by Labcorp Genetics (formerly Invitae), Labcorp).